The following is an entry in ClinVar:

ClinVar aggregate classification (germline): Pathogenic (1 of 4 stars; one submission).

Conditions:
Multiple acyl-CoA dehydrogenase deficiency (MADD). Also called: Glutaric aciduria, type 2; Glutaric acidemia type II; GA 2; Glutaric Acidemia type 2; ETHYLMALONIC-ADIPICACIDURIA; GA II. Identifiers: Orphanet 26791, MedGen C0268596, MONDO:0009282, OMIM 231680.

Submission:

Labcorp Genetics (formerly Invitae), Labcorp
Classification: Pathogenic for Multiple acyl-CoA dehydrogenase deficiency. Last evaluated: 2024-02-09. Review status: criteria provided, single submitter. Criteria: Invitae Variant Classification Sherloc (09022015). Collection method: clinical testing. Allele origin: germline.
Comment: This sequence change creates a premature translational stop signal (p.Trp131*) in the ETFDH gene. It is expected to result in an absent or disrupted protein product. Loss-of-function variants in ETFDH are known to be pathogenic (PMID: 16510302, 23785301). This variant is not present in population databases (gnomAD no frequency). This variant has not been reported in the literature in individuals affected with ETFDH-related conditions. Algorithms developed to predict the effect of sequence changes on RNA splicing suggest that this variant may disrupt the consensus splice site. For these reasons, this variant has been classified as Pathogenic.

Literature cited by the submitters: PubMed 16510302; PubMed 23785301.

NM_004453.4(ETFDH):c.392G>A (p.Trp131Ter)

Gene: ETFDH (electron transfer flavoprotein dehydrogenase; plus strand). Cytogenetic location: 4q32.1.
Variant type: single nucleotide variant.
Coding change: c.392G>A on transcript NM_004453.4 (MANE Select); coding-DNA position 392, G replaced by A.
Protein change: p.Trp131Ter; replaces tryptophan 131 with a stop codon.
Molecular consequence: nonsense.
Genome position (GRCh38, 1-based): chr4:158,682,411, G>A. VCF-style: chr4-158682411-G-A. GRCh37 (hg19) VCF-style: chr4-159603563-G-A.
Other names: c.251G>A, p.Trp84Ter (NM_001281737.2); c.209G>A, p.Trp70Ter (NM_001281738.1); short protein forms W131*, W70*, W84*.
Identifiers: ClinVar variation 3639855 (VCV003639855.2).